The following is an entry in ClinVar:

ClinVar aggregate classification (germline): Conflicting classifications of pathogenicity. Review status: criteria provided, conflicting classifications (1 of 4 stars). 2 submissions from 2 submitters: Uncertain significance (1); Likely benign (1). Last evaluated 2026-07-20.

Conditions:
Cardiovascular phenotype. Identifiers: MedGen CN230736.
Long QT syndrome (LQTS). Identifiers: MedGen C0023976, MeSH D008133, MONDO:0002442. Disease mechanism: loss of function. Inheritance: Various modes of inheritance.

Allele frequency attached by ClinVar (database versions not stated): TOPMed below 0.00001; gnomAD exomes below 0.00001.
gnomAD v4.1: 2 of 1,614,116 alleles (0.00012%); highest among the groups gnomAD compares: Admixed American, 0.0017%; no homozygotes.

Submissions (2):

Ambry Genetics
Classification: Likely benign for Cardiovascular phenotype. Last evaluated: 2026-07-20. Review status: criteria provided, single submitter. Criteria: Ambry Variant Classification Scheme 2023. Collection method: clinical testing. Allele origin: germline.

Labcorp Genetics (formerly Invitae), Labcorp
Classification: Uncertain significance for Long QT syndrome. Last evaluated: 2021-11-24. Review status: criteria provided, single submitter. Criteria: Invitae Variant Classification Sherloc (09022015). Collection method: clinical testing. Allele origin: germline.
Comment: This variant is not present in population databases (gnomAD no frequency). This sequence change replaces asparagine, which is neutral and polar, with serine, which is neutral and polar, at codon 3386 of the ANK2 protein (p.Asn3386Ser). This variant has not been reported in the literature in individuals affected with ANK2-related conditions. In summary, the available evidence is currently insufficient to determine the role of this variant in disease. Therefore, it has been classified as a Variant of Uncertain Significance. Algorithms developed to predict the effect of missense changes on protein structure and function output the following: SIFT: "Tolerated"; PolyPhen-2: "Benign"; Align-GVGD: "Class C0". The serine amino acid residue is found in multiple mammalian species, which suggests that this missense change does not adversely affect protein function.

NM_001148.6(ANK2):c.10157A>G (p.Asn3386Ser)

Gene: ANK2 (ankyrin 2; plus strand). Cytogenetic location: 4q26.
Variant type: single nucleotide variant.
Coding change: c.10157A>G on transcript NM_001148.6 (MANE Select); coding-DNA position 10157, A replaced by G.
Protein change: p.Asn3386Ser; replaces asparagine 3386 with serine.
Molecular consequence: missense variant. On other transcripts: intron variant (68).
Genome position (GRCh38, 1-based): chr4:113,358,775, A>G. VCF-style: chr4-113358775-A-G. GRCh37 (hg19) VCF-style: chr4-114279931-A-G.
Other names: c.9923A>G, p.Asn3308Ser (NM_001386142.1); c.6557A>G, p.Asn2186Ser (NM_001386166.1); c.10298A>G, p.Asn3433Ser (NM_001386174.1); c.10274A>G, p.Asn3425Ser (NM_001386175.1); c.4412-2048A>G (NM_001386186.2, NM_001386148.2); c.4214-2048A>G (NM_001354269.3); c.4292-2048A>G (NM_001386187.2); c.4253-2048A>G (NM_001386147.1); and 36 more; short protein forms N3386S, N3425S, N2186S, N3308S, N3433S.
Identifiers: ClinVar variation 1362814 (VCV001362814.7), dbSNP rs1564063003, ClinGen allele CA357939805.